The following is an entry in ClinVar:

NM_032382.5(COG8):c.1582+1G>A

Gene: COG8 (component of oligomeric golgi complex 8; minus strand). Cytogenetic location: 16q22.1.
Variant type: single nucleotide variant.
Coding change: c.1582+1G>A on transcript NM_032382.5 (MANE Select); the canonical splice donor site of the intron after coding-DNA position 1582, G replaced by A.
Molecular consequence: splice donor variant. On other transcripts: missense variant (1), intron variant (1).
Genome position (GRCh38, 1-based): chr16:69,332,713, C>T on the plus strand (G>A on the coding strand, the complement: COG8 is on the minus strand). VCF-style: chr16-69332713-C-T. GRCh37 (hg19) VCF-style: chr16-69366616-C-T.
Other names: c.1583G>A, p.Gly528Asp (NM_001374871.1); c.1413+1808G>A (NM_001379266.1); c.1582+1G>A (NM_001379265.1, NM_001379262.1, NM_001379264.1 and 2 more transcripts); short protein forms G528D.
Identifiers: ClinVar variation 1801207 (VCV001801207.1), dbSNP rs147051782, ClinGen allele CA8133674.

ClinVar aggregate classification (germline): Likely pathogenic (1 of 4 stars; one submission).

Allele frequency attached by ClinVar (database versions not stated): ExAC 0.00002; TOPMed 0.00005; gnomAD 0.00009; ESP Exome Variant Server 0.00015.
gnomAD v4.1: 154 of 1,613,224 alleles (0.0095%); highest among the groups gnomAD compares: Non-Finnish European, 0.012%; no homozygotes.

Submission:

GeneDx
Classification: Likely pathogenic. Last evaluated: 2022-05-23. Review status: criteria provided, single submitter. Criteria: GeneDx Variant Classification Process June 2021. Collection method: clinical testing. Allele origin: germline. Affected: yes.
Comment: Canonical splice site variant predicted to result in a null allele in a gene for which loss of function is a known mechanism of disease; Not observed at significant frequency in large population cohorts (gnomAD); Has not been previously published as pathogenic or benign to our knowledge